The following is an entry in ClinVar:

NM_001040142.2(SCN2A):c.4683C>G (p.Asn1561Lys)

Gene: SCN2A (sodium voltage-gated channel alpha subunit 2; plus strand). Cytogenetic location: 2q24.3.
Variant type: single nucleotide variant.
Coding change: c.4683C>G on transcript NM_001040142.2 (MANE Select); coding-DNA position 4683, C replaced by G.
Protein change: p.Asn1561Lys; replaces asparagine 1561 with lysine.
Molecular consequence: missense variant.
Genome position (GRCh38, 1-based): chr2:165,386,877, C>G. VCF-style: chr2-165386877-C-G. GRCh37 (hg19) VCF-style: chr2-166243387-C-G.
Other names: c.4683C>G, p.Asn1561Lys (NM_001040143.2, NM_001371246.1, NM_001371247.1 and 1 more transcripts); short protein forms N1561K.
Identifiers: ClinVar variation 546315 (VCV000546315.2), dbSNP rs1379550929, ClinGen allele CA349036492.

ClinVar aggregate classification (germline): Uncertain significance (1 of 4 stars; one submission).

Allele frequency attached by ClinVar (database versions not stated): TOPMed 0.00001; gnomAD 0.00001.
gnomAD v4.1: 2 of 1,613,812 alleles (0.00012%); highest among the groups gnomAD compares: Non-Finnish European, 0.00017%; no homozygotes.

Submission:

GeneDx
Classification: Uncertain significance. Last evaluated: 2018-05-15. Review status: criteria provided, single submitter. Criteria: GeneDx Variant Classification (06012015). Collection method: clinical testing. Allele origin: germline. Affected: yes.
Comment: The N1561K variant has not been published as a pathogenic variant, nor has it been reported as a benign variant to our knowledge. The N1561K variant is not observed in large population cohorts (Lek et al., 2016). The N1561K variant is a semi-conservative amino acid substitution, which may impact secondary protein structure as these residues differ in some properties. In-silico analyses, including protein predictors and evolutionary conservation, support a deleterious effect. This substitution is predicted to be within the extracellular loop between the S1and S2 transmembrane segments of the fourth homologous domain. Based on the currently available information, it is unclear whether this variant is a pathogenic variant or a rare benign variant.